The following is an entry in ClinVar:

NM_000548.5(TSC2):c.3684G>A (p.Leu1228=)

Gene: TSC2 (TSC complex subunit 2; plus strand). Cytogenetic location: 16p13.3.
Variant type: single nucleotide variant.
Coding change: c.3684G>A on transcript NM_000548.5 (MANE Select); coding-DNA position 3684, G replaced by A.
Protein change: p.Leu1228=; no amino-acid change (leucine 1228 retained).
Molecular consequence: synonymous variant.
Genome position (GRCh38, 1-based): chr16:2,081,668, G>A. VCF-style: chr16-2081668-G-A. GRCh37 (hg19) VCF-style: chr16-2131669-G-A.
Other names: c.3684G>A (NM_000548.3); c.3552G>A, p.Leu1184= (NM_001077183.3, NM_001370404.1); c.3684G>A, p.Leu1228= (NM_001114382.3); c.3444G>A, p.Leu1148= (NM_001318827.2); c.3408G>A, p.Leu1136= (NM_001318829.2); c.2952G>A, p.Leu984= (NM_001318831.2); c.3585G>A, p.Leu1195= (NM_001318832.2); c.3555G>A, p.Leu1185= (NM_001363528.2, NM_001370405.1, NM_021055.3).
Identifiers: ClinVar variation 1149890 (VCV001149890.11), dbSNP rs185457522, ClinGen allele CA493043057.

ClinVar aggregate classification (germline): Benign/Likely benign. Review status: criteria provided, multiple submitters, no conflicts (2 of 4 stars). 3 submissions from 3 submitters: Benign (1); Likely benign (2). Last evaluated 2025-05-30.

Conditions:
Hereditary cancer-predisposing syndrome. Also called: Hereditary Cancer Syndrome; Hereditary neoplastic syndrome; Neoplastic Syndromes, Hereditary; Tumor predisposition. Identifiers: Orphanet 140162, MedGen C0027672, MeSH D009386, MONDO:0015356.
Tuberous sclerosis 2 (TSC2). Identifiers: Orphanet 805, MedGen C1860707, MONDO:0013199, OMIM 613254.

Submissions (3):

Myriad Genetics, Inc.
Classification: Benign for Tuberous sclerosis 2. Last evaluated: 2025-05-30. Review status: criteria provided, single submitter. Criteria: Myriad Autosomal Dominant, Autosomal Recessive and X-Linked Classification Criteria (2023). Collection method: clinical testing. Allele origin: unknown.
Comment: This variant is considered benign. This variant is a silent/synonymous amino acid change and it is not expected to impact splicing.

Ambry Genetics
Classification: Likely benign for Hereditary cancer-predisposing syndrome. Last evaluated: 2024-01-16. Review status: criteria provided, single submitter. Criteria: Ambry Variant Classification Scheme 2023. Collection method: clinical testing. Allele origin: germline.

Labcorp Genetics (formerly Invitae), Labcorp
Classification: Likely benign for Tuberous sclerosis 2. Last evaluated: 2023-01-26. Review status: criteria provided, single submitter. Criteria: Invitae Variant Classification Sherloc (09022015). Collection method: clinical testing. Allele origin: germline.